The following is an entry in ClinVar:

ClinVar aggregate classification (germline): Uncertain significance (1 of 4 stars; one submission).

Submission:

Labcorp Genetics (formerly Invitae), Labcorp
Classification: Uncertain significance. Last evaluated: 2022-03-18. Review status: criteria provided, single submitter. Criteria: Invitae Variant Classification Sherloc (09022015). Collection method: clinical testing. Allele origin: germline.
Comment: This sequence change replaces glutamine, which is neutral and polar, with lysine, which is basic and polar, at codon 190 of the GNPTG protein (p.Gln190Lys). In summary, the available evidence is currently insufficient to determine the role of this variant in disease. Therefore, it has been classified as a Variant of Uncertain Significance. Algorithms developed to predict the effect of missense changes on protein structure and function output the following: SIFT: "Tolerated"; PolyPhen-2: "Benign"; Align-GVGD: "Class C0". The lysine amino acid residue is found in multiple mammalian species, which suggests that this missense change does not adversely affect protein function. This variant has not been reported in the literature in individuals affected with GNPTG-related conditions. This variant is not present in population databases (gnomAD no frequency).

NM_032520.5(GNPTG):c.568C>A (p.Gln190Lys)

Gene: GNPTG (N-acetylglucosamine-1-phosphate transferase subunit gamma; plus strand). Cytogenetic location: 16p13.3.
Variant type: single nucleotide variant.
Coding change: c.568C>A on transcript NM_032520.5 (MANE Select); coding-DNA position 568, C replaced by A.
Protein change: p.Gln190Lys; replaces glutamine 190 with lysine.
Molecular consequence: missense variant.
Genome position (GRCh38, 1-based): chr16:1,362,493, C>A. VCF-style: chr16-1362493-C-A. GRCh37 (hg19) VCF-style: chr16-1412494-C-A.
Other names: short protein forms Q190K.
Identifiers: ClinVar variation 1923267 (VCV001923267.5), dbSNP rs756679779, ClinGen allele CA394188204.